The following is an entry in ClinVar:

NM_001171.6(ABCC6):c.4063_4080del (p.Ser1355_Leu1360del)

Gene: ABCC6 (ATP binding cassette subfamily C member 6; minus strand). Cytogenetic location: 16p13.11.
Variant type: Deletion.
Coding change: c.4063_4080del on transcript NM_001171.6 (MANE Select); coding-DNA positions 4063 to 4080, 18 bases deleted (TCTCTGCGGATGAACCTC).
Protein change: p.Ser1355_Leu1360del.
Molecular consequence: inframe deletion. On other transcripts: non-coding transcript variant (1).
Genome position (GRCh38, 1-based): chr16:16,154,756-16,154,773, GAGGTTCATCCGCAGAGA deleted on the plus strand (TCTCTGCGGATGAACCTC on the coding strand, the reverse complement: ABCC6 is on the minus strand); deleting any 18 consecutive bases within chr16:16,154,756-16,154,774 gives the same sequence; the c. name uses the placement nearest the transcript's 3' end. VCF-style (leftmost placement, unchanged base first): chr16-16154755-CGAGGTTCATCCGCAGAGA-C. GRCh37 (hg19) VCF-style: chr16-16248612-CGAGGTTCATCCGCAGAGA-C.
Other names: c.3721_3738del, p.Ser1241_Leu1246del (NM_001351800.1).
Identifiers: ClinVar variation 1430179 (VCV001430179.6), dbSNP rs2152211980, ClinGen allele CA2573151855.

ClinVar aggregate classification (germline): Pathogenic (1 of 4 stars; one submission).

Submission:

Labcorp Genetics (formerly Invitae), Labcorp
Classification: Pathogenic. Last evaluated: 2025-05-04. Review status: criteria provided, single submitter. Criteria: Invitae Variant Classification Sherloc (09022015). Collection method: clinical testing. Allele origin: germline.
Comment: This variant, c.4063_4080del, results in the deletion of 6 amino acid(s) of the ABCC6 protein (p.Ser1355_Leu1360del), but otherwise preserves the integrity of the reading frame. This variant is not present in population databases (gnomAD no frequency). This variant has been observed in individual(s) with clinical features of pseudoxanthoma elasticum (PMID: 21179111). ClinVar contains an entry for this variant (Variation ID: 1430179). This variant disrupts a region of the ABCC6 protein in which other variant(s) (p.Arg1357Trp) have been determined to be pathogenic (PMID: 15645653, 16086317, 28912966). This suggests that this is a clinically significant region of the protein, and that variants that disrupt it are likely to be disease-causing. For these reasons, this variant has been classified as Pathogenic.

Literature cited by the submitters: PubMed 21179111; PubMed 15645653; PubMed 16086317; PubMed 28912966.